The following is an entry in ClinVar:

ClinVar aggregate classification (germline): Uncertain significance (1 of 4 stars; one submission).

Allele frequency attached by ClinVar (database versions not stated): gnomAD 0.00001; gnomAD exomes 0.00001; TOPMed 0.00001.
gnomAD v4.1: 7 of 1,614,112 alleles (0.00043%); highest among the groups gnomAD compares: Admixed American, 0.01%; no homozygotes.

Submission:

Labcorp Genetics (formerly Invitae), Labcorp
Classification: Uncertain significance. Last evaluated: 2022-08-01. Review status: criteria provided, single submitter. Criteria: Invitae Variant Classification Sherloc (09022015). Collection method: clinical testing. Allele origin: germline.
Comment: This sequence change replaces glycine, which is neutral and non-polar, with serine, which is neutral and polar, at codon 319 of the PUS1 protein (p.Gly319Ser). This variant is present in population databases (no rsID available, gnomAD 0.01%). This variant has not been reported in the literature in individuals affected with PUS1-related conditions. Algorithms developed to predict the effect of missense changes on protein structure and function are either unavailable or do not agree on the potential impact of this missense change (SIFT: "Tolerated"; PolyPhen-2: "Possibly Damaging"; Align-GVGD: "Class C0"). In summary, the available evidence is currently insufficient to determine the role of this variant in disease. Therefore, it has been classified as a Variant of Uncertain Significance.

NM_025215.6(PUS1):c.955G>A (p.Gly319Ser)

Gene: PUS1 (pseudouridine synthase 1; plus strand). Cytogenetic location: 12q24.33.
Variant type: single nucleotide variant.
Coding change: c.955G>A on transcript NM_025215.6 (MANE Select); coding-DNA position 955, G replaced by A.
Protein change: p.Gly319Ser; replaces glycine 319 with serine.
Molecular consequence: missense variant.
Genome position (GRCh38, 1-based): chr12:131,941,702, G>A. VCF-style: chr12-131941702-G-A. GRCh37 (hg19) VCF-style: chr12-132426247-G-A.
Other names: c.871G>A, p.Gly291Ser (NM_001002019.3, NM_001002020.3); short protein forms G291S, G319S.
Identifiers: ClinVar variation 2417703 (VCV002417703.2), dbSNP rs1194309707, ClinGen allele CA387299533.